The following is an entry in ClinVar:

NM_000234.3(LIG1):c.92C>T (p.Thr31Met)

Gene: LIG1 (DNA ligase 1; minus strand). Cytogenetic location: 19q13.33.
Variant type: single nucleotide variant.
Coding change: c.92C>T on transcript NM_000234.3 (MANE Select); coding-DNA position 92, C replaced by T.
Protein change: p.Thr31Met; replaces threonine 31 with methionine.
Molecular consequence: missense variant. On other transcripts: non-coding transcript variant (2), intron variant (2).
Genome position (GRCh38, 1-based): chr19:48,162,277, G>A on the plus strand (C>T on the coding strand, the complement: LIG1 is on the minus strand). VCF-style: chr19-48162277-G-A. GRCh37 (hg19) VCF-style: chr19-48665534-G-A.
Other names: c.92C>T, p.Thr31Met (NM_001289064.2, NM_001320970.2); c.18-770C>T (NM_001289063.2, NM_001320971.2); short protein forms T31M.
Identifiers: ClinVar variation 1523710 (VCV001523710.7), dbSNP rs757743358, ClinGen allele CA9547446.

ClinVar aggregate classification (germline): Uncertain significance (1 of 4 stars; one submission).

Allele frequency attached by ClinVar (database versions not stated): TOPMed 0.00001; ExAC 0.00002; gnomAD 0.00002; gnomAD exomes 0.00003.
gnomAD v4.1: 17 of 1,613,608 alleles (0.0011%); highest among the groups gnomAD compares: South Asian, 0.0066%; no homozygotes.

Submission:

Labcorp Genetics (formerly Invitae), Labcorp
Classification: Uncertain significance. Last evaluated: 2024-04-05. Review status: criteria provided, single submitter. Criteria: Invitae Variant Classification Sherloc (09022015). Collection method: clinical testing. Allele origin: germline.
Comment: This sequence change replaces threonine, which is neutral and polar, with methionine, which is neutral and non-polar, at codon 31 of the LIG1 protein (p.Thr31Met). This variant is present in population databases (rs757743358, gnomAD 0.01%). This variant has not been reported in the literature in individuals affected with LIG1-related conditions. ClinVar contains an entry for this variant (Variation ID: 1523710). Algorithms developed to predict the effect of missense changes on protein structure and function output the following: SIFT: "Not Available"; PolyPhen-2: "Benign"; Align-GVGD: "Not Available". The methionine amino acid residue is found in multiple mammalian species, which suggests that this missense change does not adversely affect protein function. In summary, the available evidence is currently insufficient to determine the role of this variant in disease. Therefore, it has been classified as a Variant of Uncertain Significance.